The following is an entry in ClinVar:

NM_004655.4(AXIN2):c.1446G>T (p.Pro482=)

Gene: AXIN2 (axin 2; minus strand). Cytogenetic location: 17q24.1.
Variant type: single nucleotide variant.
Coding change: c.1446G>T on transcript NM_004655.4 (MANE Select); coding-DNA position 1446, G replaced by T.
Protein change: p.Pro482=; no amino-acid change (proline 482 retained).
Molecular consequence: synonymous variant.
Genome position (GRCh38, 1-based): chr17:65,537,590, C>A on the plus strand (G>T on the coding strand, the complement: AXIN2 is on the minus strand). VCF-style: chr17-65537590-C-A. GRCh37 (hg19) VCF-style: chr17-63533708-C-A.
Other names: c.1446G>T (LRG_296t1); c.1446G>T, p.Pro482= (NM_001363813.1).
Identifiers: ClinVar variation 415247 (VCV000415247.14), dbSNP rs750678891, ClinGen allele CA16615879.
Genomic context (GRCh38, chr17:65,537,590, plus strand): 5'-GCCCCCGAGGAGGGGGCAGGCGCCCGGCGAGGCGGCCGCGGGAGGCAGCTTGCCACCGGG[C>A]GGGAGCAGGGAGTGGTACTGCGAATGGTGGTGGTGGTGGTGGTCCGGGGAGCGGGAGCGG-3'
Protein context (NP_004646.3, residues 472-492): HHHSQYHSLL[Pro482=]PGGKLPPAAA

ClinVar aggregate classification (germline): Benign/Likely benign. Review status: criteria provided, multiple submitters, no conflicts (2 of 4 stars). 3 submissions from 3 submitters: Benign (1); Likely benign (2). Last evaluated 2024-07-03.

Conditions:
Hereditary cancer-predisposing syndrome. Also called: Tumor predisposition; Neoplastic Syndromes, Hereditary; Hereditary neoplastic syndrome; Hereditary Cancer Syndrome. Identifiers: Orphanet 140162, MedGen C0027672, MeSH D009386, MONDO:0015356.
Oligodontia-cancer predisposition syndrome. Also called: TOOTH AGENESIS-COLORECTAL CANCER SYNDROME. Identifiers: Orphanet 300576, MedGen C1837750, MONDO:0012075, OMIM 608615. Disease mechanism: loss of function.

Submissions (3):

Myriad Genetics, Inc.
Classification: Benign for Oligodontia-cancer predisposition syndrome. Last evaluated: 2024-07-03. Review status: criteria provided, single submitter. Criteria: Myriad Autosomal Dominant, Autosomal Recessive and X-Linked Classification Criteria (2023). Collection method: clinical testing. Allele origin: unknown.
Comment: This variant is considered benign. This variant is a silent/synonymous amino acid change and it is not expected to impact splicing.

Labcorp Genetics (formerly Invitae), Labcorp
Classification: Likely benign for Oligodontia-cancer predisposition syndrome. Last evaluated: 2020-07-24. Review status: criteria provided, single submitter. Criteria: Invitae Variant Classification Sherloc (09022015). Collection method: clinical testing. Allele origin: germline.

Ambry Genetics
Classification: Likely benign for Hereditary cancer-predisposing syndrome. Last evaluated: 2018-11-09. Review status: criteria provided, single submitter. Criteria: Ambry Variant Classification Scheme 2023. Collection method: clinical testing. Allele origin: germline.